The following is an entry in ClinVar:

NM_016222.4(DDX41):c.1693G>T (p.Val565Leu)

Gene: DDX41 (DEAD-box helicase 41; minus strand). Cytogenetic location: 5q35.3.
Variant type: single nucleotide variant.
Coding change: c.1693G>T on transcript NM_016222.4 (MANE Select); coding-DNA position 1693, G replaced by T.
Protein change: p.Val565Leu; replaces valine 565 with leucine.
Molecular consequence: missense variant.
Genome position (GRCh38, 1-based): chr5:177,512,135, C>A on the plus strand (G>T on the coding strand, the complement: DDX41 is on the minus strand). VCF-style: chr5-177512135-C-A. GRCh37 (hg19) VCF-style: chr5-176939136-C-A.
Other names: c.1315G>T, p.Val439Leu (NM_001321732.2, NM_001321830.2); c.1693G>T (NM_016222.2); short protein forms V439L, V565L.
Identifiers: ClinVar variation 2005966 (VCV002005966.5), dbSNP rs781182074, ClinGen allele CA3584648.

ClinVar aggregate classification (germline): Uncertain significance. Review status: criteria provided, multiple submitters, no conflicts (2 of 4 stars). 2 submissions from 2 submitters: Uncertain significance (2). Last evaluated 2025-10-07.

Conditions:
Inborn genetic diseases. Identifiers: MedGen C0950123, MeSH D030342.

gnomAD v4.1: 2 of 1,613,550 alleles (0.00012%); highest among the groups gnomAD compares: Non-Finnish European, 0.00017%; no homozygotes.

Submissions (2):

Ambry Genetics
Classification: Uncertain significance for Inborn genetic diseases. Last evaluated: 2025-10-07. Review status: criteria provided, single submitter. Criteria: Ambry Variant Classification Scheme 2023. Collection method: clinical testing. Allele origin: germline.
Comment: The p.V565L variant (also known as c.1693G>T), located in coding exon 16 of the DDX41 gene, results from a G to T substitution at nucleotide position 1693. The valine at codon 565 is replaced by leucine, an amino acid with highly similar properties. This amino acid position is highly conserved in available vertebrate species. In addition, the in silico prediction for this alteration is inconclusive. Based on the available evidence, the clinical significance of this variant remains unclear.

Labcorp Genetics (formerly Invitae), Labcorp
Classification: Uncertain significance. Last evaluated: 2022-10-14. Review status: criteria provided, single submitter. Criteria: Invitae Variant Classification Sherloc (09022015). Collection method: clinical testing. Allele origin: germline.
Comment: In summary, the available evidence is currently insufficient to determine the role of this variant in disease. Therefore, it has been classified as a Variant of Uncertain Significance. This sequence change replaces valine, which is neutral and non-polar, with leucine, which is neutral and non-polar, at codon 565 of the DDX41 protein (p.Val565Leu). This variant is present in population databases (rs781182074, gnomAD 0.0009%). This variant has not been reported in the literature in individuals affected with DDX41-related conditions. Algorithms developed to predict the effect of missense changes on protein structure and function are either unavailable or do not agree on the potential impact of this missense change (SIFT: "Not Available"; PolyPhen-2: "Benign"; Align-GVGD: "Not Available"). Algorithms developed to predict the effect of sequence changes on RNA splicing suggest that this variant may disrupt the consensus splice site.